The following is an entry in ClinVar:

ClinVar aggregate classification (germline): Uncertain significance (1 of 4 stars; one submission).

Submission:

Labcorp Genetics (formerly Invitae), Labcorp
Classification: Uncertain significance. Last evaluated: 2022-11-01. Review status: criteria provided, single submitter. Criteria: Invitae Variant Classification Sherloc (09022015). Collection method: clinical testing. Allele origin: germline.
Comment: In summary, the available evidence is currently insufficient to determine the role of this variant in disease. Therefore, it has been classified as a Variant of Uncertain Significance. Experimental studies and prediction algorithms are not available or were not evaluated, and the functional significance of this variant is currently unknown. This variant has not been reported in the literature in individuals affected with CHRM3-related conditions. This variant is not present in population databases (gnomAD no frequency). This variant, c.1280_1282del, results in the deletion of 1 amino acid(s) of the CHRM3 protein (p.Leu427del), but otherwise preserves the integrity of the reading frame.

NM_001375978.1(CHRM3):c.1280_1282del (p.Leu427del)

Gene: CHRM3 (cholinergic receptor muscarinic 3; plus strand). Cytogenetic location: 1q43.
Variant type: Deletion.
Coding change: c.1280_1282del on transcript NM_001375978.1 (MANE Select); coding-DNA positions 1280 to 1282, 3 bases deleted (TTC; older notation c.1280_1282delTTC).
Protein change: p.Leu427del; deletes leucine 427.
Molecular consequence: inframe deletion.
Genome position (GRCh38, 1-based): chr1:239,908,731-239,908,733, TTC deleted; deleting any 3 consecutive bases within chr1:239,908,730-239,908,733 gives the same sequence; the c. name uses the placement nearest the transcript's 3' end. VCF-style (leftmost placement, unchanged base first): chr1-239908729-GCTT-G. GRCh37 (hg19) VCF-style: chr1-240072029-GCTT-G.
Other names: c.1280_1282del, p.Leu427del (NM_000740.4, NM_001375985.1, NM_001347716.2 and 6 more transcripts); short protein forms L427del.
Identifiers: ClinVar variation 2810632 (VCV002810632.3), dbSNP rs2528328993, ClinGen allele CA2739274004.